The following is an entry in ClinVar:

NM_173076.3(ABCA12):c.1062-8T>A

Gene: ABCA12 (ATP binding cassette subfamily A member 12; minus strand). Cytogenetic location: 2q35.
Variant type: single nucleotide variant.
Coding change: c.1062-8T>A on transcript NM_173076.3 (MANE Select); 8 bases into the intron before coding-DNA position 1062, T replaced by A.
Molecular consequence: intron variant.
Genome position (GRCh38, 1-based): chr2:215,026,946, A>T on the plus strand (T>A on the coding strand, the complement: ABCA12 is on the minus strand). VCF-style: chr2-215026946-A-T. GRCh37 (hg19) VCF-style: chr2-215891670-A-T.
Other names: c.108-8T>A (NM_015657.4).
Identifiers: ClinVar variation 721934 (VCV000721934.39), dbSNP rs190613499, ClinGen allele CA2092343.
Genomic context (GRCh38, chr2:215,026,946, plus strand): 5'-TATTTGCTGATATATTTAAGAGGGCATCTTCAAAGTTTTCCAGAATTAGGAGCCTGCAGA[A>T]TTAGAAAAGAATATAGAAATTAAGACATATAAAAGTAAAGCAAAGCCGTTTTGTTGAGAT-3'

ClinVar aggregate classification (germline): Benign/Likely benign. Review status: criteria provided, multiple submitters, no conflicts (2 of 4 stars). 5 submissions from 5 submitters: Benign (1); Likely benign (3). 1 of the submissions does not count toward it. Last evaluated 2026-02-02.

Conditions:
Congenital ichthyosis of skin. Identifiers: MedGen C0020758.
ABCA12-related disorder. Also called: ABCA12-related condition.

Allele frequency attached by ClinVar (database versions not stated): TOPMed 0.00072; ESP Exome Variant Server 0.00077; gnomAD 0.00082 and 0.00119; gnomAD exomes 0.00135 and 0.00188; ExAC 0.00221; 1000 Genomes Project 30x 0.00312; 1000 Genomes Project 0.00319.
gnomAD v4.1: 2,035 of 1,530,732 alleles (0.13%); highest among the groups gnomAD compares: South Asian, 0.8%; 18 homozygotes.

Submissions (7):

Labcorp Genetics (formerly Invitae), Labcorp
Classification: Benign. Last evaluated: 2026-02-02. Review status: criteria provided, single submitter. Criteria: Invitae Variant Classification Sherloc (09022015). Collection method: clinical testing. Allele origin: germline.

CeGaT Center for Human Genetics Tuebingen
Classification: Likely benign. Last evaluated: 2025-04-01. Review status: criteria provided, single submitter. Criteria: CeGaT Center For Human Genetics Tuebingen Variant Classification Criteria Version 2. Collection method: clinical testing. Allele origin: germline. Affected: yes. Observed: 4 variant alleles.
Comment: ABCA12: BP4, BS2

Illumina Laboratory Services, Illumina
Classification: Likely benign for Congenital ichthyosis of skin. Last evaluated: 2017-04-27. Review status: criteria provided, single submitter. Criteria: ICSL Variant Classification Criteria 13 December 2019. Collection method: clinical testing. Allele origin: germline.
Comment: This variant was observed as part of a predisposition screen in an ostensibly healthy population. A literature search was performed for the gene, cDNA change, and amino acid change (where applicable). No publications were found based on this search. Allele frequency data from public databases allowed determination this variant is unlikely to cause disease. Therefore, this variant is classified as likely benign.

Breakthrough Genomics
Classification: Likely benign. Review status: criteria provided, single submitter. Criteria: ACMG Guidelines, 2015. Collection method: not provided. Allele origin: germline. Inheritance: Autosomal recessive inheritance. Affected: yes.

PreventionGenetics, part of Exact Sciences
Classification: Likely benign for ABCA12-related condition. Last evaluated: 2019-04-01. Review status: no assertion criteria provided. Collection method: clinical testing. Allele origin: germline. Not counted in ClinVar's aggregate classification.
Comment: This variant is classified as likely benign based on ACMG/AMP sequence variant interpretation guidelines (Richards et al. 2015 PMID: 25741868, with internal and published modifications).

Dr. Peter K. Rogan Lab, Western University
No classification provided (evidence only). Condition: Acute myeloid leukemia. Review status: no classification provided. Collection method: in vitro. Allele origin: not applicable. Functional consequence: retained intron. Not counted in ClinVar's aggregate classification.

Dr. Peter K. Rogan Lab, Western University
No classification provided (evidence only). Condition: Ovarian cancer. Review status: no classification provided. Collection method: in vitro. Allele origin: not applicable. Functional consequence: retained intron. Not counted in ClinVar's aggregate classification.